The following is an entry in ClinVar:

ClinVar aggregate classification (germline): Likely benign. Review status: criteria provided, multiple submitters, no conflicts (2 of 4 stars). 3 submissions from 3 submitters: Likely benign (3). Last evaluated 2026-01-08.

Conditions:
Glycogen storage disease, type V (GSD5). Also called: McArdle type glycogen storage disease; MYOPHOSPHORYLASE DEFICIENCY; PYGM DEFICIENCY; MCARDLE DISEASE; MUSCLE GLYCOGEN PHOSPHORYLASE DEFICIENCY. Identifiers: Orphanet 368, MedGen C0017924, MONDO:0009293, OMIM 232600.

Allele frequency attached by ClinVar (database versions not stated): TOPMed below 0.00001; ExAC 0.00001; gnomAD 0.00001; gnomAD exomes 0.00001; 1000 Genomes Project 30x 0.00031.
gnomAD v4.1: 17 of 1,613,708 alleles (0.0011%); highest among the groups gnomAD compares: Admixed American, 0.0017%; no homozygotes.

Submissions (3):

Labcorp Genetics (formerly Invitae), Labcorp
Classification: Likely benign for Glycogen storage disease, type V. Last evaluated: 2026-01-08. Review status: criteria provided, single submitter. Criteria: Invitae Variant Classification Sherloc (09022015). Collection method: clinical testing. Allele origin: germline.

CeGaT Center for Human Genetics Tuebingen
Classification: Likely benign. Last evaluated: 2023-05-01. Review status: criteria provided, single submitter. Criteria: CeGaT Center For Human Genetics Tuebingen Variant Classification Criteria Version 2. Collection method: clinical testing. Allele origin: germline. Affected: yes. Observed: 1 variant allele.
Comment: PYGM: BP4, BP7

GeneDx
Classification: Likely benign. Last evaluated: 2016-08-03. Review status: criteria provided, single submitter. Criteria: GeneDx Variant Classification (06012015). Collection method: clinical testing. Allele origin: germline. Affected: yes.
Comment: This variant is considered likely benign or benign based on one or more of the following criteria: it is a conservative change, it occurs at a poorly conserved position in the protein, it is predicted to be benign by multiple in silico algorithms, and/or has population frequency not consistent with disease.

NM_005609.4(PYGM):c.975G>A (p.Thr325=)

Gene: PYGM (glycogen phosphorylase, muscle associated; minus strand). Cytogenetic location: 11q13.1.
Variant type: single nucleotide variant.
Coding change: c.975G>A on transcript NM_005609.4 (MANE Select); coding-DNA position 975, G replaced by A.
Protein change: p.Thr325=; no amino-acid change (threonine 325 retained).
Molecular consequence: synonymous variant.
Genome position (GRCh38, 1-based): chr11:64,754,717, C>T on the plus strand (G>A on the coding strand, the complement: PYGM is on the minus strand). VCF-style: chr11-64754717-C-T. GRCh37 (hg19) VCF-style: chr11-64522189-C-T.
Other names: c.711G>A, p.Thr237= (NM_001164716.1).
Identifiers: ClinVar variation 387838 (VCV000387838.35), dbSNP rs747106887, ClinGen allele CA6080058.